The following is an entry in ClinVar:

NM_000834.5(GRIN2B):c.1525del (p.Ala509fs)

Gene: GRIN2B (glutamate ionotropic receptor NMDA type subunit 2B; minus strand). Cytogenetic location: 12p13.1.
Variant type: Deletion.
Coding change: c.1525del on transcript NM_000834.5 (MANE Select); coding-DNA position 1525, one base deleted (G; older notation c.1525delG).
Protein change: p.Ala509fs; shifts the reading frame from alanine 509.
Molecular consequence: frameshift variant.
Genome position (GRCh38, 1-based): chr12:13,615,243, C deleted on the plus strand (G on the coding strand, the reverse complement: GRIN2B is on the minus strand); the first of 2 consecutive C bases (chr12:13,615,243-13,615,244); deleting either gives the same sequence. VCF-style (leftmost placement, unchanged base first): chr12-13615242-GC-G. GRCh37 (hg19) VCF-style: chr12-13768176-GC-G.
Other names: c.1525del, p.Ala509fs (NM_001413992.1); short protein forms A509fs.
Identifiers: ClinVar variation 4857020 (VCV004857020.1).

ClinVar aggregate classification (germline): Pathogenic (1 of 4 stars; one submission).

Conditions:
Intellectual developmental disorder, autosomal dominant 6, with or without seizures. Also called: Intellectual disability, autosomal dominant 6; GRIN2B-related developmental delay, intellectual disability and autism spectrum disorder. Identifiers: Orphanet 589547, MedGen C3151411, MONDO:0013509, OMIM 613970.

Submission:

Center for Human Genetics and Genomic Medicine, Uniklinik Rwth Aachen
Classification: Pathogenic for Intellectual developmental disorder, autosomal dominant 6, with or without seizures. Last evaluated: 2026-06-02. Review status: criteria provided, single submitter. Criteria: ACMG Guidelines, 2015. Collection method: clinical testing. Allele origin: de novo. Inheritance: Autosomal dominant inheritance. Affected: yes. Observed: 1 variant allele, 1 heterozygote.
Comment: To date, this variant has not been reported in the literature. In the general population (gnomAD v4.1.1), it has not yet been detected (PM2_Supporting). The variant represents a frameshift mutation followed by a stop codon. This typically leads either to premature termination of translation or to what is known as “nonsense-mediated mRNA decay.” In both cases, this results in a loss of protein function (“loss-of-function”). For the GRIN2B gene, intolerance to haploinsufficiency has been described as a pathomechanism (PVS1).